The following is an entry in ClinVar:

ClinVar aggregate classification (germline): Benign (0 of 4 stars; one submission).

Conditions:
JMJD7-PLA2G4B-related disorder. Also called: JMJD7-PLA2G4B-related condition.

Allele frequency attached by ClinVar (database versions not stated): ExAC 0.00536; gnomAD 0.01314; ESP Exome Variant Server 0.01479; TOPMed 0.01487; 1000 Genomes Project 0.01538; 1000 Genomes Project 30x 0.01686.

Submission:

PreventionGenetics, part of Exact Sciences
Classification: Benign for JMJD7-PLA2G4B-related condition. Last evaluated: 2019-02-22. Review status: no assertion criteria provided. Collection method: clinical testing. Allele origin: germline.
Comment: This variant is classified as benign based on ACMG/AMP sequence variant interpretation guidelines (Richards et al. 2015 PMID: 25741868, with internal and published modifications).

NM_005090.4(JMJD7-PLA2G4B):c.1865G>A (p.Arg622His)

Genes: JMJD7-PLA2G4B (JMJD7-PLA2G4B readthrough; plus strand), PLA2G4B (phospholipase A2 group IVB; plus strand). Cytogenetic location: 15q15.1.
Variant type: single nucleotide variant.
Coding change: c.1865G>A on transcript NM_005090.4; coding-DNA position 1865, G replaced by A.
Protein change: p.Arg622His; replaces arginine 622 with histidine.
Molecular consequence: missense variant.
Genome position (GRCh38, 1-based): chr15:41,845,003, G>A. VCF-style: chr15-41845003-G-A. GRCh37 (hg19) VCF-style: chr15-42137201-G-A.
Other names: c.1172G>A, p.Arg391His (NM_001114633.2); c.1865G>A, p.Arg622His (NM_001198588.2); short protein forms R391H, R622H.
Identifiers: ClinVar variation 3050265 (VCV003050265.2), dbSNP rs34807597, ClinGen allele CA7499956.
Genomic context (GRCh38, chr15:41,845,003, plus strand): 5'-TGGGTGTGCTGGCCCCCAGCCAGCTGCAGCGGTACCGGCAGGAGCTGGCCGAGCGTGCCC[G>A]CTTGGGCTACCCAAGCTGCTTCACCAACCTGTGGGCCCTCATCAACGAGGCGCTGCTGCA-3'